The following is an entry in ClinVar:

NM_004655.4(AXIN2):c.2171G>A (p.Arg724Lys)

Gene: AXIN2 (axin 2; minus strand). Cytogenetic location: 17q24.1.
Variant type: single nucleotide variant.
Coding change: c.2171G>A on transcript NM_004655.4 (MANE Select); coding-DNA position 2171, G replaced by A.
Protein change: p.Arg724Lys; replaces arginine 724 with lysine.
Molecular consequence: missense variant.
Genome position (GRCh38, 1-based): chr17:65,535,692, C>T on the plus strand (G>A on the coding strand, the complement: AXIN2 is on the minus strand). VCF-style: chr17-65535692-C-T. GRCh37 (hg19) VCF-style: chr17-63531810-C-T.
Other names: c.1976G>A, p.Arg659Lys (NM_001363813.1); short protein forms R659K, R724K.
Identifiers: ClinVar variation 1787108 (VCV001787108.2), dbSNP rs2509397369, ClinGen allele CA400675821.

ClinVar aggregate classification (germline): Uncertain significance (1 of 4 stars; one submission).

Conditions:
Hereditary cancer-predisposing syndrome. Also called: Neoplastic Syndromes, Hereditary; Tumor predisposition; Hereditary Cancer Syndrome; Hereditary neoplastic syndrome. Identifiers: Orphanet 140162, MedGen C0027672, MeSH D009386, MONDO:0015356.

Submission:

Ambry Genetics
Classification: Uncertain significance for Hereditary cancer-predisposing syndrome. Last evaluated: 2021-03-19. Review status: criteria provided, single submitter. Criteria: Ambry Variant Classification Scheme 2023. Collection method: clinical testing. Allele origin: germline.
Comment: The p.R724K variant (also known as c.2171G>A), located in coding exon 8 of the AXIN2 gene, results from a G to A substitution at nucleotide position 2171. The arginine at codon 724 is replaced by lysine, an amino acid with highly similar properties. This amino acid position is well conserved in available vertebrate species. In addition, this alteration is predicted to be tolerated by in silico analysis. Since supporting evidence is limited at this time, the clinical significance of this alteration remains unclear.